The following is an entry in ClinVar:

ClinVar aggregate classification (germline): Uncertain significance (1 of 4 stars; one submission).

Submission:

Labcorp Genetics (formerly Invitae), Labcorp
Classification: Uncertain significance. Last evaluated: 2022-09-05. Review status: criteria provided, single submitter. Criteria: Invitae Variant Classification Sherloc (09022015). Collection method: clinical testing. Allele origin: germline.
Comment: This variant has not been reported in the literature in individuals affected with TWNK-related conditions. This variant is not present in population databases (gnomAD no frequency). This sequence change replaces lysine, which is basic and polar, with arginine, which is basic and polar, at codon 593 of the TWNK protein (p.Lys593Arg). Advanced modeling of protein sequence and biophysical properties (such as structural, functional, and spatial information, amino acid conservation, physicochemical variation, residue mobility, and thermodynamic stability) performed at Invitae indicates that this missense variant is not expected to disrupt TWNK protein function. In summary, the available evidence is currently insufficient to determine the role of this variant in disease. Therefore, it has been classified as a Variant of Uncertain Significance.

NM_021830.5(TWNK):c.1778A>G (p.Lys593Arg)

Gene: TWNK (twinkle mtDNA helicase; plus strand). Cytogenetic location: 10q24.31.
Variant type: single nucleotide variant.
Coding change: c.1778A>G on transcript NM_021830.5 (MANE Select); coding-DNA position 1778, A replaced by G.
Protein change: p.Lys593Arg; replaces lysine 593 with arginine.
Molecular consequence: missense variant. On other transcripts: 3 prime UTR variant (2), non-coding transcript variant (5).
Genome position (GRCh38, 1-based): chr10:100,993,233, A>G. VCF-style: chr10-100993233-A-G. GRCh37 (hg19) VCF-style: chr10-102752990-A-G.
Other names: c.*73A>G (NM_001163812.2, NM_001163814.2); c.416A>G, p.Lys139Arg (NM_001163813.2, NM_001368275.1); short protein forms K593R, K139R.
Identifiers: ClinVar variation 2128950 (VCV002128950.4), dbSNP rs2493650126, ClinGen allele CA378211968.